The following is an entry in ClinVar:

ClinVar aggregate classification (germline): Pathogenic (1 of 4 stars; one submission).

Conditions:
Spinocerebellar ataxia, autosomal recessive, with axonal neuropathy 2 (SCAN2). Also called: Ataxia with Oculomotor Apraxia; Ataxia with Oculomotor Apraxia Type 2; ATAXIA-OCULOMOTOR APRAXIA 2; Ataxia-ocular apraxia-2. Identifiers: Orphanet 64753, MedGen C1853761, MONDO:0018996, OMIM 606002.

Submission:

3billion
Classification: Pathogenic for Spinocerebellar ataxia, autosomal recessive, with axonal neuropathy 2. Last evaluated: 2025-03-26. Review status: criteria provided, single submitter. Criteria: ACMG Guidelines, 2015. Collection method: clinical testing. Allele origin: germline. Affected: yes.
Comment: The variant is not observed in the gnomAD v4.1.0 dataset.Predicted Consequence/Location: Frameshift: predicted to result in a loss or disruption of normal protein function through nonsense-mediated decay (NMD) or protein truncation. Multiple pathogenic variants are reported downstream of the variant.The variant was homozygous . Therefore, this variant is classified as Pathogenic according to the recommendation of ACMG/AMP guideline.

NM_015046.7(SETX):c.1589_1590del (p.Ser530fs)

Gene: SETX (senataxin; minus strand). Cytogenetic location: 9q34.13.
Variant type: Microsatellite.
Coding change: c.1589_1590del on transcript NM_015046.7 (MANE Select); coding-DNA positions 1589 to 1590, 2 bases deleted (CT; older notation c.1589_1590delCT).
Protein change: p.Ser530fs; shifts the reading frame from serine 530.
Molecular consequence: frameshift variant.
Genome position (GRCh38, 1-based): chr9:132,330,008-132,330,009, AG deleted on the plus strand (CT on the coding strand, the reverse complement: SETX is on the minus strand); deleting any 2 consecutive bases within chr9:132,330,008-132,330,011 gives the same sequence; the c. name uses the placement nearest the transcript's 3' end. VCF-style (leftmost placement, unchanged base first): chr9-132330007-CAG-C. GRCh37 (hg19) VCF-style: chr9-135205394-CAG-C.
Other names: c.1589_1590del, p.Ser530fs (NM_001351527.2, NM_001351528.2); short protein forms S530fs.
Identifiers: ClinVar variation 4294099 (VCV004294099.1).
Genomic context (GRCh38, chr9:132,330,007, plus strand): 5'-GCCCAAGCTGATAACCTTCTTTAAGGAGACTTCTAATCAGCTGCACATAAGCAAGTTGTA[CAG>C]AGTTAGATGGCATGGAATGCAATGACAGTGAAGATATCATTGCTGTTCCTTTGGAGCAAT-3'